The following is an entry in ClinVar:

NC_000002.11:g.(?_228004857)_(228012222_?)dup

Gene: COL4A4 (collagen type IV alpha 4 chain; minus strand). Cytogenetic location: 2q36.3.
Variant type: Duplication.
Identifiers: ClinVar variation 3247456 (VCV003247456.1).

ClinVar aggregate classification (germline): Uncertain significance (1 of 4 stars; one submission).

Submission:

Labcorp Genetics (formerly Invitae), Labcorp
Classification: Uncertain significance. Last evaluated: 2023-12-22. Review status: criteria provided, single submitter. Criteria: Invitae Variant Classification Sherloc (09022015). Collection method: clinical testing. Allele origin: unknown.
Comment: This variant results in a copy number gain of the genomic region encompassing exon(s) 2-4 of the COL4A4 gene. This region includes the initiator codon of the gene. This copy number gain extends beyond the assayed region for this gene and therefore may encompass additional genes. As the precise location of this event is unknown, it may be in tandem or it may be located elsewhere in the genome. This variant has not been reported in the literature in individuals affected with COL4A4-related conditions. In summary, the available evidence is currently insufficient to determine the role of this variant in disease. Therefore, it has been classified as a Variant of Uncertain Significance.